The following is an entry in ClinVar:

ClinVar aggregate classification (germline): Likely benign. Review status: criteria provided, single submitter (1 of 4 stars). 2 submissions from 2 submitters: Likely benign (1). 1 of the submissions does not count toward it. Last evaluated 2024-12-01.

Conditions:
KIF26B-related disorder. Also called: KIF26B-related condition.

Allele frequency attached by ClinVar (database versions not stated): 1000 Genomes Project 0.00040; 1000 Genomes Project 30x 0.00062; gnomAD 0.00291; TOPMed 0.00294; gnomAD exomes 0.00313; ExAC 0.00369; ESP Exome Variant Server 0.00371.
gnomAD v4.1: 5,213 of 1,614,038 alleles (0.32%); highest among the groups gnomAD compares: Middle Eastern, 0.76%; 55 homozygotes.

Submissions (2):

CeGaT Center for Human Genetics Tuebingen
Classification: Likely benign. Last evaluated: 2024-12-01. Review status: criteria provided, single submitter. Criteria: CeGaT Center For Human Genetics Tuebingen Variant Classification Criteria Version 2. Collection method: clinical testing. Allele origin: germline. Affected: yes. Observed: 4 variant alleles.
Comment: KIF26B: BP4, BS2

PreventionGenetics, part of Exact Sciences
Classification: Benign for KIF26B-related condition. Last evaluated: 2019-05-23. Review status: no assertion criteria provided. Collection method: clinical testing. Allele origin: germline. Not counted in ClinVar's aggregate classification.
Comment: This variant is classified as benign based on ACMG/AMP sequence variant interpretation guidelines (Richards et al. 2015 PMID: 25741868, with internal and published modifications).

NM_018012.4(KIF26B):c.507C>T (p.Val169=)

Gene: KIF26B (kinesin family member 26B; plus strand). Cytogenetic location: 1q44.
Variant type: single nucleotide variant.
Coding change: c.507C>T on transcript NM_018012.4 (MANE Select); coding-DNA position 507, C replaced by T.
Protein change: p.Val169=; no amino-acid change (valine 169 retained).
Molecular consequence: synonymous variant.
Genome position (GRCh38, 1-based): chr1:245,366,875, C>T. VCF-style: chr1-245366875-C-T. GRCh37 (hg19) VCF-style: chr1-245530177-C-T.
Identifiers: ClinVar variation 2640227 (VCV002640227.25), dbSNP rs201717788, ClinGen allele CA1487412.